The following is an entry in ClinVar:

ClinVar aggregate classification (germline): Conflicting classifications of pathogenicity. Review status: criteria provided, conflicting classifications (1 of 4 stars). 4 submissions from 2 submitters: Uncertain significance (3); Likely benign (1). Last evaluated 2023-07-01.

Conditions:
Nephronophthisis 8. Identifiers: MedGen CN119610.
Joubert syndrome 7 (JBTS7). Identifiers: Orphanet 220497, MedGen C1969053, MONDO:0012694, OMIM 611560.
Meckel syndrome, type 5 (MKS5). Identifiers: Orphanet 564, MedGen C1969052, MONDO:0012695, OMIM 611561.

Allele frequency attached by ClinVar (database versions not stated): 1000 Genomes Project 0.00140; 1000 Genomes Project 30x 0.00172; TOPMed 0.00499; gnomAD 0.00522; gnomAD exomes 0.01496.
gnomAD v4.1: 793 of 152,668 alleles (0.52%); highest among the groups gnomAD compares: Non-Finnish European, 0.86%; 3 homozygotes.

Submissions (4):

CeGaT Center for Human Genetics Tuebingen
Classification: Likely benign. Last evaluated: 2023-07-01. Review status: criteria provided, single submitter. Criteria: CeGaT Center For Human Genetics Tuebingen Variant Classification Criteria Version 2. Collection method: clinical testing. Allele origin: germline. Affected: yes. Observed: 8 variant alleles.
Comment: RPGRIP1L: BS2

Illumina Laboratory Services, Illumina
Classification: Uncertain significance for Nephronophthisis 8. Last evaluated: 2018-01-12. Review status: criteria provided, single submitter. Criteria: ICSL Variant Classification Criteria 13 December 2019. Collection method: clinical testing. Allele origin: germline.

Illumina Laboratory Services, Illumina
Classification: Uncertain significance for Joubert syndrome 7. Last evaluated: 2018-01-12. Review status: criteria provided, single submitter. Criteria: ICSL Variant Classification Criteria 13 December 2019. Collection method: clinical testing. Allele origin: germline.

Illumina Laboratory Services, Illumina
Classification: Uncertain significance for Meckel syndrome, type 5. Last evaluated: 2018-01-12. Review status: criteria provided, single submitter. Criteria: ICSL Variant Classification Criteria 13 December 2019. Collection method: clinical testing. Allele origin: germline.

NM_015272.5(RPGRIP1L):c.*1627G>A

Gene: RPGRIP1L (RPGRIP1 like; minus strand). Cytogenetic location: 16q12.2.
Variant type: single nucleotide variant.
Coding change: c.*1627G>A on transcript NM_015272.5 (MANE Select); 1627 bases downstream of the stop codon, G replaced by A.
Molecular consequence: 3 prime UTR variant.
Genome position (GRCh38, 1-based): chr16:53,600,449, C>T on the plus strand (G>A on the coding strand, the complement: RPGRIP1L is on the minus strand). VCF-style: chr16-53600449-C-T. GRCh37 (hg19) VCF-style: chr16-53634361-C-T.
Other names: c.*1627G>A (NM_001127897.4, NM_001308334.3, NM_001330538.2).
Identifiers: ClinVar variation 319625 (VCV000319625.29), dbSNP rs188203905, ClinGen allele CA10648543.